The following is an entry in ClinVar:

ClinVar aggregate classification (germline): Uncertain significance (1 of 4 stars; one submission).

Submission:

Labcorp Genetics (formerly Invitae), Labcorp
Classification: Uncertain significance. Last evaluated: 2025-08-06. Review status: criteria provided, single submitter. Criteria: Invitae Variant Classification Sherloc (09022015). Collection method: clinical testing. Allele origin: germline.
Comment: This sequence change replaces proline, which is neutral and non-polar, with serine, which is neutral and polar, at codon 753 of the IL12RB2 protein (p.Pro753Ser). This variant is not present in population databases (gnomAD no frequency). This variant has not been reported in the literature in individuals affected with IL12RB2-related conditions. An algorithm developed to predict the effect of missense changes on protein structure and function outputs the following: PolyPhen-2: "Benign". The serine amino acid residue is found in multiple mammalian species, which suggests that this missense change does not adversely affect protein function. In summary, the available evidence is currently insufficient to determine the role of this variant in disease. Therefore, it has been classified as a Variant of Uncertain Significance.

NM_001374259.2(IL12RB2):c.2257C>T (p.Pro753Ser)

Gene: IL12RB2 (interleukin 12 receptor subunit beta 2; plus strand). Cytogenetic location: 1p31.3.
Variant type: single nucleotide variant.
Coding change: c.2257C>T on transcript NM_001374259.2 (MANE Select); coding-DNA position 2257, C replaced by T.
Protein change: p.Pro753Ser; replaces proline 753 with serine.
Molecular consequence: missense variant. On other transcripts: 3 prime UTR variant (3), non-coding transcript variant (2).
Genome position (GRCh38, 1-based): chr1:67,395,757, C>T. VCF-style: chr1-67395757-C-T. GRCh37 (hg19) VCF-style: chr1-67861440-C-T.
Other names: c.*177C>T (NM_001258214.1, NM_001319233.1); c.1999C>T, p.Pro667Ser (NM_001258215.1); c.*158C>T (NM_001258216.1); c.2257C>T, p.Pro753Ser (NM_001559.3); short protein forms P753S, P667S.
Identifiers: ClinVar variation 4763989 (VCV004763989.1).